The following is an entry in ClinVar:

NM_033004.4(NLRP1):c.3895A>G (p.Met1299Val)

Gene: NLRP1 (NLR family pyrin domain containing 1; minus strand). Cytogenetic location: 17p13.2.
Variant type: single nucleotide variant.
Coding change: c.3895A>G on transcript NM_033004.4 (MANE Select); coding-DNA position 3895, A replaced by G.
Protein change: p.Met1299Val; replaces methionine 1299 with valine.
Molecular consequence: missense variant. On other transcripts: intron variant (2).
Genome position (GRCh38, 1-based): chr17:5,520,901, T>C on the plus strand (A>G on the coding strand, the complement: NLRP1 is on the minus strand). VCF-style: chr17-5520901-T-C. GRCh37 (hg19) VCF-style: chr17-5424221-T-C.
Other names: c.3907A>G, p.Met1303Val (NM_001033053.3); c.3805A>G, p.Met1269Val (NM_033006.4); c.3693+623A>G (NM_033007.4); c.3783+623A>G (NM_014922.5); short protein forms M1303V, M1269V, M1299V.
Identifiers: ClinVar variation 2051071 (VCV002051071.4), dbSNP rs1230759442, ClinGen allele CA397388699.

ClinVar aggregate classification (germline): Uncertain significance (1 of 4 stars; one submission).

Submission:

Labcorp Genetics (formerly Invitae), Labcorp
Classification: Uncertain significance. Last evaluated: 2024-02-17. Review status: criteria provided, single submitter. Criteria: Invitae Variant Classification Sherloc (09022015). Collection method: clinical testing. Allele origin: germline.
Comment: This sequence change replaces methionine, which is neutral and non-polar, with valine, which is neutral and non-polar, at codon 1299 of the NLRP1 protein (p.Met1299Val). This variant is not present in population databases (gnomAD no frequency). This variant has not been reported in the literature in individuals affected with NLRP1-related conditions. ClinVar contains an entry for this variant (Variation ID: 2051071). An algorithm developed to predict the effect of missense changes on protein structure and function (PolyPhen-2) suggests that this variant is likely to be tolerated. In summary, the available evidence is currently insufficient to determine the role of this variant in disease. Therefore, it has been classified as a Variant of Uncertain Significance.